The following is an entry in ClinVar:

NM_000430.4(PAFAH1B1):c.400-3C>T

Gene: PAFAH1B1 (platelet activating factor acetylhydrolase 1b regulatory subunit 1; plus strand). Cytogenetic location: 17p13.3.
Variant type: single nucleotide variant.
Coding change: c.400-3C>T on transcript NM_000430.4 (MANE Select); 3 bases into the intron before coding-DNA position 400, C replaced by T.
Molecular consequence: intron variant.
Genome position (GRCh38, 1-based): chr17:2,670,160, C>T. VCF-style: chr17-2670160-C-T. GRCh37 (hg19) VCF-style: chr17-2573454-C-T.
Identifiers: ClinVar variation 4720247 (VCV004720247.1).

ClinVar aggregate classification (germline): Uncertain significance (1 of 4 stars; one submission).

gnomAD v4.1: 4 of 1,613,798 alleles (0.00025%); highest among the groups gnomAD compares: Non-Finnish European, 0.00034%; no homozygotes.

Submission:

Labcorp Genetics (formerly Invitae), Labcorp
Classification: Uncertain significance. Last evaluated: 2025-05-26. Review status: criteria provided, single submitter. Criteria: Invitae Variant Classification Sherloc (09022015). Collection method: clinical testing. Allele origin: germline.
Comment: This sequence change falls in intron 5 of the PAFAH1B1 gene. It does not directly change the encoded amino acid sequence of the PAFAH1B1 protein. It affects a nucleotide within the consensus splice site. This variant is not present in population databases (gnomAD no frequency). This variant has not been reported in the literature in individuals affected with PAFAH1B1-related conditions. Variants that disrupt the consensus splice site are a relatively common cause of aberrant splicing (PMID: 17576681, 9536098). Algorithms developed to predict the effect of sequence changes on RNA splicing suggest that this variant is not likely to affect RNA splicing. In summary, the available evidence is currently insufficient to determine the role of this variant in disease. Therefore, it has been classified as a Variant of Uncertain Significance.

Literature cited by the submitters: PubMed 17576681; PubMed 9536098.